The following is an entry in ClinVar:

NM_001378615.1(CC2D2A):c.3014+1G>A

Genes: CC2D2A (coiled-coil and C2 domain containing 2A; plus strand), FBXL5 (F-box and leucine rich repeat protein 5; minus strand). Cytogenetic location: 4p15.32.
Variant type: single nucleotide variant.
Coding change: c.3014+1G>A on transcript NM_001378615.1 (MANE Select); the canonical splice donor site of the intron after coding-DNA position 3014, G replaced by A.
Molecular consequence: splice donor variant.
Genome position (GRCh38, 1-based): chr4:15,560,623, G>A. VCF-style: chr4-15560623-G-A. GRCh37 (hg19) VCF-style: chr4-15562246-G-A.
Other names: c.3014+1G>A (NM_001080522.2); c.2867+1G>A (NM_001378617.1).
Identifiers: ClinVar variation 5004528 (VCV005004528.1).

ClinVar aggregate classification (germline): Likely pathogenic (1 of 4 stars; one submission).

Conditions:
Joubert syndrome and related disorders. Identifiers: Orphanet 140874, MedGen C5679612, MONDO:0015369.

Submission:

Myriad Genetics, Inc.
Classification: Likely pathogenic for Joubert syndrome and related disorders. Last evaluated: 2026-03-10. Review status: criteria provided, single submitter. Criteria: Myriad Autosomal Dominant, Autosomal Recessive and X-Linked Classification Criteria (2023). Collection method: clinical testing. Allele origin: unknown.
Comment: NM_001080522.2(CC2D2A):c.3014+1G>A is a variant in a canonical splice site classified as likely pathogenic in the context of CC2D2A-related disorders. c.3014+1G>A has not been observed in cases with relevant disease. Relevant functional assessments of this variant are not available in the literature. c.3014+1G>A has not been observed in referenced population frequency databases. In summary, NM_001080522.2(CC2D2A):c.3014+1G>A is a variant in a canonical splice site in a gene where loss of function is a known mechanism of disease and is predicted to disrupt protein function. Please note: this variant was assessed in the context of healthy population screening.